The following is an entry in ClinVar:

ClinVar aggregate classification (germline): Uncertain significance (1 of 4 stars; one submission).

Conditions:
Hereditary cancer-predisposing syndrome. Also called: Neoplastic Syndromes, Hereditary; Tumor predisposition; Hereditary neoplastic syndrome; Hereditary Cancer Syndrome. Identifiers: Orphanet 140162, MedGen C0027672, MeSH D009386, MONDO:0015356.

Submission:

Ambry Genetics
Classification: Uncertain significance for Hereditary cancer-predisposing syndrome. Last evaluated: 2026-06-17. Review status: criteria provided, single submitter. Criteria: Ambry Variant Classification Scheme 2023. Collection method: clinical testing. Allele origin: germline.
Comment: The p.G1086E variant (also known as c.3257G>A), located in coding exon 27 of the TSC2 gene, results from a G to A substitution at nucleotide position 3257. The glycine at codon 1086 is replaced by glutamic acid, an amino acid with similar properties. This amino acid position is conserved. In addition, the in silico prediction for this alteration is inconclusive. Based on the available evidence, the clinical significance of this variant remains unclear.

NM_000548.5(TSC2):c.3257G>A (p.Gly1086Glu)

Gene: TSC2 (TSC complex subunit 2; plus strand). Cytogenetic location: 16p13.3.
Variant type: single nucleotide variant.
Coding change: c.3257G>A on transcript NM_000548.5 (MANE Select); coding-DNA position 3257, G replaced by A.
Protein change: p.Gly1086Glu; replaces glycine 1086 with glutamic acid.
Molecular consequence: missense variant. On other transcripts: non-coding transcript variant (5).
Genome position (GRCh38, 1-based): chr16:2,079,401, G>A. VCF-style: chr16-2079401-G-A. GRCh37 (hg19) VCF-style: chr16-2129402-G-A.
Other names: c.3125G>A, p.Gly1042Glu (NM_001077183.3, NM_001370404.1, NM_001406665.1); c.3257G>A, p.Gly1086Glu (NM_001114382.3); c.3017G>A, p.Gly1006Glu (NM_001318827.2); c.2981G>A, p.Gly994Glu (NM_001318829.2); c.2525G>A, p.Gly842Glu (NM_001318831.2, NM_001406687.1, NM_001406688.1); c.3158G>A, p.Gly1053Glu (NM_001318832.2); c.3128G>A, p.Gly1043Glu (NM_001363528.2, NM_001370405.1, NM_021055.3); c.3254G>A, p.Gly1085Glu (NM_001406663.1, NM_001406664.1); and 18 more; short protein forms G1006E, G1072E, G1073E, G1085E, G595E, G842E, G885E, G1023E.
Identifiers: ClinVar variation 5031288 (VCV005031288.1).